The following is an entry in ClinVar:

ClinVar aggregate classification (germline): Uncertain significance. Review status: criteria provided, multiple submitters, no conflicts (2 of 4 stars). 2 submissions from 2 submitters: Uncertain significance (2). Last evaluated 2022-12-16.

Conditions:
Hereditary cancer-predisposing syndrome. Also called: Hereditary Cancer Syndrome; Neoplastic Syndromes, Hereditary; Tumor predisposition; Hereditary neoplastic syndrome. Identifiers: Orphanet 140162, MedGen C0027672, MeSH D009386, MONDO:0015356.

Allele frequency attached by ClinVar (database versions not stated): gnomAD exomes below 0.00001.
gnomAD v4.1: 1 of 1,614,140 alleles (0.000062%); highest among the groups gnomAD compares: Non-Finnish European, 0.000085%; no homozygotes.

Submissions (2):

Ambry Genetics
Classification: Uncertain significance for Hereditary cancer-predisposing syndrome. Last evaluated: 2022-12-16. Review status: criteria provided, single submitter. Criteria: Ambry Variant Classification Scheme 2023. Collection method: clinical testing. Allele origin: germline.
Comment: The p.D1238H variant (also known as c.3712G>C), located in coding exon 24 of the RAD50 gene, results from a G to C substitution at nucleotide position 3712. The aspartic acid at codon 1238 is replaced by histidine, an amino acid with similar properties. This variant was not reported in population based cohorts in the following databases: Database of Single Nucleotide Polymorphisms (dbSNP), NHLBI Exome Sequencing Project (ESP), and 1000 Genomes Project. In the ESP, this variant was not observed in 6503 samples (13006 alleles) with coverage at this position. To date, this alteration has been detected with an allele frequency of approximately 0.001% (greater than 175000 alleles tested) in our clinical cohort. This amino acid position is highly conserved in available vertebrate species. In addition, this alteration is predicted to be deleterious by in silico analysis. Since supporting evidence is limited at this time, the clinical significance of this alteration remains unclear.

Labcorp Genetics (formerly Invitae), Labcorp
Classification: Uncertain significance for Hereditary cancer-predisposing syndrome. Last evaluated: 2022-05-31. Review status: criteria provided, single submitter. Criteria: Invitae Variant Classification Sherloc (09022015). Collection method: clinical testing. Allele origin: germline.
Comment: This sequence change replaces aspartic acid, which is acidic and polar, with histidine, which is basic and polar, at codon 1238 of the RAD50 protein (p.Asp1238His). This variant is not present in population databases (gnomAD no frequency). This variant has not been reported in the literature in individuals affected with RAD50-related conditions. ClinVar contains an entry for this variant (Variation ID: 480455). Algorithms developed to predict the effect of missense changes on protein structure and function are either unavailable or do not agree on the potential impact of this missense change (SIFT: "Deleterious"; PolyPhen-2: "Probably Damaging"; Align-GVGD: "Class C0"). In summary, the available evidence is currently insufficient to determine the role of this variant in disease. Therefore, it has been classified as a Variant of Uncertain Significance.

NM_005732.4(RAD50):c.3712G>C (p.Asp1238His)

Genes: TH2-LCR (Th2 cytokine locus control region; plus strand), TH2LCRR (T helper type 2 locus control region associated RNA; minus strand), RAD50 (RAD50 double strand break repair protein; plus strand). Cytogenetic location: 5q31.1.
Variant type: single nucleotide variant.
Coding change: c.3712G>C on transcript NM_005732.4 (MANE Select); coding-DNA position 3712, G replaced by C.
Protein change: p.Asp1238His; replaces aspartic acid 1238 with histidine.
Molecular consequence: missense variant.
Genome position (GRCh38, 1-based): chr5:132,640,765, G>C. VCF-style: chr5-132640765-G-C. GRCh37 (hg19) VCF-style: chr5-131976457-G-C.
Other names: short protein forms D1238H.
Identifiers: ClinVar variation 480455 (VCV000480455.13), dbSNP rs1554101195, ClinGen allele CA360934655.